The following is an entry in ClinVar:

ClinVar aggregate classification (germline): Uncertain significance (1 of 4 stars; one submission).

Allele frequency attached by ClinVar (database versions not stated): gnomAD exomes 0.00001; ExAC 0.00001.

Submission:

Labcorp Genetics (formerly Invitae), Labcorp
Classification: Uncertain significance. Last evaluated: 2023-08-04. Review status: criteria provided, single submitter. Criteria: Invitae Variant Classification Sherloc (09022015). Collection method: clinical testing. Allele origin: germline.
Comment: In summary, the available evidence is currently insufficient to determine the role of this variant in disease. Therefore, it has been classified as a Variant of Uncertain Significance. An algorithm developed to predict the effect of missense changes on protein structure and function (PolyPhen-2) suggests that this variant¬†is likely to be tolerated. ClinVar contains an entry for this variant (Variation ID: 1435154). This variant has not been reported in the literature in individuals affected with AIMP1-related conditions. This variant is present in population databases (rs749252001, gnomAD 0.003%). This sequence change replaces isoleucine, which is neutral and non-polar, with lysine, which is basic and polar, at codon 163 of the AIMP1 protein (p.Ile163Lys).

NM_001142416.2(AIMP1):c.488T>A (p.Ile163Lys)

Gene: AIMP1 (aminoacyl tRNA synthetase complex interacting multifunctional protein 1; plus strand). Cytogenetic location: 4q24.
Variant type: single nucleotide variant.
Coding change: c.488T>A on transcript NM_001142416.2 (MANE Select); coding-DNA position 488, T replaced by A.
Protein change: p.Ile163Lys; replaces isoleucine 163 with lysine.
Molecular consequence: missense variant.
Genome position (GRCh38, 1-based): chr4:106,331,768, T>A. VCF-style: chr4-106331768-T-A. GRCh37 (hg19) VCF-style: chr4-107252925-T-A.
Other names: c.488T>A, p.Ile163Lys (NM_001142415.2, NM_004757.4); short protein forms I163K.
Identifiers: ClinVar variation 1435154 (VCV001435154.7), dbSNP rs749252001, ClinGen allele CA3035743.